The following is an entry in ClinVar:

NM_015404.4(WHRN):c.1751G>A (p.Arg584His)

Gene: WHRN (whirlin; minus strand). Cytogenetic location: 9q32.
Variant type: single nucleotide variant.
Coding change: c.1751G>A on transcript NM_015404.4 (MANE Select); coding-DNA position 1751, G replaced by A.
Protein change: p.Arg584His; replaces arginine 584 with histidine.
Molecular consequence: missense variant.
Genome position (GRCh38, 1-based): chr9:114,406,840, C>T on the plus strand (G>A on the coding strand, the complement: WHRN is on the minus strand). VCF-style: chr9-114406840-C-T. GRCh37 (hg19) VCF-style: chr9-117169120-C-T.
Other names: c.602G>A, p.Arg201His (NM_001083885.3); c.1751G>A, p.Arg584His (NM_001173425.2); c.698G>A, p.Arg233His (NM_001346890.1); short protein forms R201H, R233H, R584H.
Identifiers: ClinVar variation 1432237 (VCV001432237.6), dbSNP rs372230625, ClinGen allele CA5205821.
Genomic context (GRCh38, chr9:114,406,840, plus strand): 5'-CTCCCCAGCTTCCTTGGCTGGCCTAGTGGGAGGTCGTTGCCTTGGGCCAGAGGTGGTGGG[C>T]GAGGCAGTGGCTTGAAGCTTGACAGCCCCTGGGAGGTGGATCTGACATCATCCTGCCAAA-3'
Protein context (NP_056219.3, residues 574-594): QGLSSFKPLP[Arg584His]PPPLAQGNDL

ClinVar aggregate classification (germline): Uncertain significance (1 of 4 stars; one submission).

Allele frequency attached by ClinVar (database versions not stated): gnomAD exomes below 0.00001 and 0.00001; gnomAD 0.00001; TOPMed 0.00002; ExAC 0.00003; ESP Exome Variant Server 0.00008.
gnomAD v4.1: 22 of 1,603,660 alleles (0.0014%); highest among the groups gnomAD compares: South Asian, 0.0056%; no homozygotes.

Submission:

Labcorp Genetics (formerly Invitae), Labcorp
Classification: Uncertain significance. Last evaluated: 2022-06-10. Review status: criteria provided, single submitter. Criteria: Invitae Variant Classification Sherloc (09022015). Collection method: clinical testing. Allele origin: germline.
Comment: The frequency data for this variant in the population databases is considered unreliable, as metrics indicate poor data quality at this position in the gnomAD database. This sequence change replaces arginine, which is basic and polar, with histidine, which is basic and polar, at codon 584 of the WHRN protein (p.Arg584His). This variant has not been reported in the literature in individuals affected with WHRN-related conditions. In summary, the available evidence is currently insufficient to determine the role of this variant in disease. Therefore, it has been classified as a Variant of Uncertain Significance. Algorithms developed to predict the effect of missense changes on protein structure and function output the following: SIFT: "Deleterious"; PolyPhen-2: "Benign"; Align-GVGD: "Class C0". The histidine amino acid residue is found in multiple mammalian species, which suggests that this missense change does not adversely affect protein function.